The following is an entry in ClinVar:

NM_001379291.1(BRD4):c.1458C>T (p.Ser486=)

Gene: BRD4 (bromodomain containing 4; minus strand). Cytogenetic location: 19p13.12.
Variant type: single nucleotide variant.
Coding change: c.1458C>T on transcript NM_001379291.1 (MANE Select); coding-DNA position 1458, C replaced by T.
Protein change: p.Ser486=; no amino-acid change (serine 486 retained).
Molecular consequence: synonymous variant.
Genome position (GRCh38, 1-based): chr19:15,257,057, G>A on the plus strand (C>T on the coding strand, the complement: BRD4 is on the minus strand). VCF-style: chr19-15257057-G-A. GRCh37 (hg19) VCF-style: chr19-15367868-G-A.
Other names: c.1458C>T, p.Ser486= (NM_001330384.2, NM_001379292.1, NM_014299.3 and 1 more transcripts); c.1458C>T (NM_058243.2).
Identifiers: ClinVar variation 2065052 (VCV002065052.29), dbSNP rs200706361, ClinGen allele CA9265359.
Genomic context (GRCh38, chr19:15,257,057, plus strand): 5'-CTCCTCCTCAGAGTCATCAGTCGAACTGTCACTGTCCGAGGAGCTATCGCTGCTGCTGTC[G>A]CTGGATGAGGGCGGGGCCACAACCTTGGTGGGAGGGGGCACTGCCGGGGAGGACACGGCC-3'
Protein context (NP_001366220.1, residues 476-496): PTKVVAPPSS[Ser486=]DSSSDSSSDS

ClinVar aggregate classification (germline): Likely benign. Review status: criteria provided, multiple submitters, no conflicts (2 of 4 stars). 3 submissions from 3 submitters: Likely benign (2). 1 of the submissions does not count toward it. Last evaluated 2025-11-10.

Conditions:
BRD4-related disorder. Also called: BRD4-related condition.

Allele frequency attached by ClinVar (database versions not stated): gnomAD 0.00005; TOPMed 0.00005; ExAC 0.00015.
gnomAD v4.1: 115 of 1,602,598 alleles (0.0072%); highest among the groups gnomAD compares: South Asian, 0.059%; no homozygotes.

Submissions (3):

Labcorp Genetics (formerly Invitae), Labcorp
Classification: Likely benign. Last evaluated: 2025-11-10. Review status: criteria provided, single submitter. Criteria: Invitae Variant Classification Sherloc (09022015). Collection method: clinical testing. Allele origin: germline.

CeGaT Center for Human Genetics Tuebingen
Classification: Likely benign. Last evaluated: 2023-03-01. Review status: criteria provided, single submitter. Criteria: CeGaT Center For Human Genetics Tuebingen Variant Classification Criteria Version 2. Collection method: clinical testing. Allele origin: germline. Affected: yes. Observed: 1 variant allele.
Comment: BRD4: BP4, BP7

PreventionGenetics, part of Exact Sciences
Classification: Likely benign for BRD4-related condition. Last evaluated: 2021-09-10. Review status: no assertion criteria provided. Collection method: clinical testing. Allele origin: germline. Not counted in ClinVar's aggregate classification.
Comment: This variant is classified as likely benign based on ACMG/AMP sequence variant interpretation guidelines (Richards et al. 2015 PMID: 25741868, with internal and published modifications).